The following is an entry in ClinVar:

ClinVar aggregate classification (germline): Conflicting classifications of pathogenicity. Review status: criteria provided, conflicting classifications (1 of 4 stars). 2 submissions from 2 submitters: Uncertain significance (1); Likely benign (1). Last evaluated 2025-02-16.

Conditions:
Cardiovascular phenotype. Identifiers: MedGen CN230736.

Allele frequency attached by ClinVar (database versions not stated): gnomAD exomes below 0.00001; TOPMed below 0.00001.

Submissions (2):

Laboratory of Genetics, Children's Clinical University Hospital Latvia
Classification: Likely benign. Last evaluated: 2025-02-16. Review status: criteria provided, single submitter. Criteria: ACMG Guidelines, 2015. Collection method: clinical testing. Allele origin: germline. Affected: yes.

Ambry Genetics
Classification: Uncertain significance for Cardiovascular phenotype. Last evaluated: 2023-01-11. Review status: criteria provided, single submitter. Criteria: Ambry Variant Classification Scheme 2023. Collection method: clinical testing. Allele origin: germline.
Comment: The p.P168L variant (also known as c.503C>T), located in coding exon 1 of the HCN4 gene, results from a C to T substitution at nucleotide position 503. The proline at codon 168 is replaced by leucine, an amino acid with similar properties. This amino acid position is conserved. In addition, the in silico prediction for this alteration is inconclusive. Since supporting evidence is limited at this time, the clinical significance of this alteration remains unclear.

NM_005477.3(HCN4):c.503C>T (p.Pro168Leu)

Gene: HCN4 (hyperpolarization activated cyclic nucleotide gated potassium channel 4; minus strand). Cytogenetic location: 15q24.1.
Variant type: single nucleotide variant.
Coding change: c.503C>T on transcript NM_005477.3 (MANE Select); coding-DNA position 503, C replaced by T.
Protein change: p.Pro168Leu; replaces proline 168 with leucine.
Molecular consequence: missense variant.
Genome position (GRCh38, 1-based): chr15:73,367,768, G>A on the plus strand (C>T on the coding strand, the complement: HCN4 is on the minus strand). VCF-style: chr15-73367768-G-A. GRCh37 (hg19) VCF-style: chr15-73660109-G-A.
Other names: short protein forms P168L.
Identifiers: ClinVar variation 2450262 (VCV002450262.3), dbSNP rs2043135698, ClinGen allele CA393097822.